The following is an entry in ClinVar:

ClinVar aggregate classification (germline): Benign. Review status: criteria provided, multiple submitters, no conflicts (2 of 4 stars). 3 submissions from 3 submitters: Benign (2). 1 of the submissions does not count toward it. Last evaluated 2018-05-11.

Conditions:
CAPN10-related disorder. Also called: CAPN10-related condition; CAPN10-related disorders.

Allele frequency attached by ClinVar (database versions not stated): 1000 Genomes Project 30x 0.00016; TOPMed 0.00023; ESP Exome Variant Server 0.00024; gnomAD 0.00175.

Submissions (3):

Labcorp Genetics (formerly Invitae), Labcorp
Classification: Benign. Last evaluated: 2018-05-11. Review status: criteria provided, single submitter. Criteria: Invitae Variant Classification Sherloc (09022015). Collection method: clinical testing. Allele origin: germline.

Breakthrough Genomics
Classification: Benign. Review status: criteria provided, single submitter. Criteria: ACMG Guidelines, 2015. Collection method: not provided. Allele origin: germline. Inheritance: Unknown mechanism. Affected: yes.

PreventionGenetics, part of Exact Sciences
Classification: Likely benign for CAPN10-related condition. Last evaluated: 2019-08-21. Review status: no assertion criteria provided. Collection method: clinical testing. Allele origin: germline. Not counted in ClinVar's aggregate classification.
Comment: This variant is classified as likely benign based on ACMG/AMP sequence variant interpretation guidelines (Richards et al. 2015 PMID: 25741868, with internal and published modifications).

NM_023083.4(CAPN10):c.1431G>A (p.Ala477=)

Gene: CAPN10 (calpain 10; plus strand). Cytogenetic location: 2q37.3.
Variant type: single nucleotide variant.
Coding change: c.1431G>A on transcript NM_023083.4 (MANE Select); coding-DNA position 1431, G replaced by A.
Protein change: p.Ala477=; no amino-acid change (alanine 477 retained).
Molecular consequence: synonymous variant. On other transcripts: intron variant (1).
Genome position (GRCh38, 1-based): chr2:240,596,471, G>A. VCF-style: chr2-240596471-G-A. GRCh37 (hg19) VCF-style: chr2-241535888-G-A.
Other names: c.1278+1167G>A (NM_023085.4).
Identifiers: ClinVar variation 736701 (VCV000736701.6), dbSNP rs368588347, ClinGen allele CA2205854.